The following is an entry in ClinVar:

NM_001374736.1(DST):c.22922C>T (p.Ala7641Val)

Gene: DST (dystonin; minus strand). Cytogenetic location: 6p12.1.
Variant type: single nucleotide variant.
Coding change: c.22922C>T on transcript NM_001374736.1 (MANE Select); coding-DNA position 22922, C replaced by T.
Protein change: p.Ala7641Val; replaces alanine 7641 with valine.
Molecular consequence: missense variant.
Genome position (GRCh38, 1-based): chr6:56,463,602, G>A on the plus strand (C>T on the coding strand, the complement: DST is on the minus strand). VCF-style: chr6-56463602-G-A. GRCh37 (hg19) VCF-style: chr6-56328400-G-A.
Other names: c.16493C>T, p.Ala5498Val (NM_001144769.5); c.16079C>T, p.Ala5360Val (NM_001144770.2); c.22850C>T, p.Ala7617Val (NM_001374722.1); c.21962C>T, p.Ala7321Val (NM_001374729.1); c.15704C>T, p.Ala5235Val (NM_001374730.1); c.22877C>T, p.Ala7626Val (NM_001374734.1); c.15941C>T, p.Ala5314Val (NM_001386100.1); c.14981C>T, p.Ala4994Val (NM_015548.5); and 1 more; short protein forms A4994V, A5235V, A5314V, A5320V, A5360V, A5498V, A7321V, A7617V.
Identifiers: ClinVar variation 1003241 (VCV001003241.7), dbSNP rs750916776, ClinGen allele CA3866112.
Genomic context (GRCh38, chr6:56,463,602, plus strand): 5'-AAAGTCTTCATCCTGAGTCTTACCTTGGGTGTGGTGGTGGCAGGGACCTGTGGGGAGGCC[G>A]CCTGCGCAGCCTGACTGGACACAGAAGTGGATCTGTTGGGTGAAGCGCCTCGTGATGATG-3'
Protein context (NP_001361665.1, residues 7631-7651): STSVSSQAAQ[Ala7641Val]ASPQVPATTT

ClinVar aggregate classification (germline): Uncertain significance (1 of 4 stars; one submission).

Conditions:
Hereditary sensory and autonomic neuropathy type 6. Also called: HSAN VI; Neuropathy, hereditary sensory and autonomic, type VI. Identifiers: Orphanet 314381, MedGen C3539003, MONDO:0013839, OMIM 614653.
Epidermolysis bullosa simplex 3, localized or generalized intermediate, with BP230 deficiency (EBS3). Also called: Epidermolysis bullosa simplex due to BP230 deficiency; Epidermolysis bullosa simplex, autosomal recessive 2. Identifiers: Orphanet 412181, MedGen C3809470, MONDO:0014180, OMIM 615425.

Allele frequency attached by ClinVar (database versions not stated): ExAC 0.00001; gnomAD exomes 0.00001; gnomAD 0.00003; TOPMed 0.00003.
gnomAD v4.1: 84 of 1,606,134 alleles (0.0052%); highest among the groups gnomAD compares: Non-Finnish European, 0.0065%; no homozygotes.

Submission:

Labcorp Genetics (formerly Invitae), Labcorp
Classification: Uncertain significance for Epidermolysis bullosa simplex 3, localized or generalized intermediate, with BP230 deficiency; Hereditary sensory and autonomic neuropathy type 6. Last evaluated: 2025-07-14. Review status: criteria provided, single submitter. Criteria: Invitae Variant Classification Sherloc (09022015). Collection method: clinical testing. Allele origin: germline.
Comment: The DST gene has multiple clinically relevant transcripts. This variant occurs in alternate transcript NM_015548.4, and corresponds to NM_001723.5:c.*151915C>T in the primary transcript. This sequence change replaces alanine, which is neutral and non-polar, with valine, which is neutral and non-polar, at codon 4994 of the DST protein (p.Ala4994Val). This variant is present in population databases (rs750916776, gnomAD 0.003%). This variant has not been reported in the literature in individuals affected with DST-related conditions. Experimental studies and prediction algorithms are not available or were not evaluated, and the functional significance of this variant is currently unknown. In summary, the available evidence is currently insufficient to determine the role of this variant in disease. Therefore, it has been classified as a Variant of Uncertain Significance.